The following is an entry in ClinVar:

NM_000271.5(NPC1):c.956-1G>A

Gene: NPC1 (NPC intracellular cholesterol transporter 1; minus strand). Cytogenetic location: 18q11.2.
Variant type: single nucleotide variant.
Coding change: c.956-1G>A on transcript NM_000271.5 (MANE Select); the canonical splice acceptor site of the intron before coding-DNA position 956, G replaced by A.
Molecular consequence: splice acceptor variant.
Genome position (GRCh38, 1-based): chr18:23,556,614, C>T on the plus strand (G>A on the coding strand, the complement: NPC1 is on the minus strand). VCF-style: chr18-23556614-C-T. GRCh37 (hg19) VCF-style: chr18-21136578-C-T.
Identifiers: ClinVar variation 370542 (VCV000370542.12), dbSNP rs756853895, ClinGen allele CA16041919.
Genomic context (GRCh38, chr18:23,556,614, plus strand): 5'-ACAGCCGCCTCAAGCAGCCCTCAAATGCTGCGCTGACAGGGTCACAGCAGGACGCCTCTC[C>T]TGGAAGAACGGGAGAGGAAGGGAAGGTGGAGGTTAAGAGCCAAGCCGTTCCTGAAAGTCG-3'

ClinVar aggregate classification (germline): Likely pathogenic. Review status: criteria provided, multiple submitters, no conflicts (2 of 4 stars). 3 submissions from 3 submitters: Likely pathogenic (2). 1 of the submissions does not count toward it. Last evaluated 2025-04-02.

Conditions:
Niemann-Pick disease, type C1. Also called: NEUROVISCERAL STORAGE DISEASE WITH VERTICAL SUPRANUCLEAR OPHTHALMOPLEGIA; NIEMANN-PICK DISEASE WITH CHOLESTEROL ESTERIFICATION BLOCK; NIEMANN-PICK DISEASE WITHOUT SPHINGOMYELINASE DEFICIENCY; NIEMANN-PICK DISEASE, CHRONIC NEURONOPATHIC FORM; NIEMANN-PICK DISEASE, VARIANT TYPE C1. Identifiers: Orphanet 646, MedGen C3179455, MONDO:0009757, OMIM 257220.

Allele frequency attached by ClinVar (database versions not stated): gnomAD exomes below 0.00001; gnomAD 0.00001; TOPMed 0.00001.
gnomAD v4.1: 2 of 1,613,860 alleles (0.00012%); highest among the groups gnomAD compares: African/African-American, 0.0013%; no homozygotes.

Submissions (3):

Natera, Inc.
Classification: Likely pathogenic for Niemann-Pick disease type C1. Last evaluated: 2025-04-02. Review status: criteria provided, single submitter. Criteria: Natera Variant Classification Schema (03/2026). Collection method: clinical testing. Allele origin: germline.
Comment: The c.956-1G>A variant in NPC1 is a canonical splice acceptor site variant predicted to affect pre-mRNA splicing, which may result in an abnormal transcript and altered protein product. This variant is expected to result in nonsense mediated decay, truncation, or a dysfunctional protein product. This variant is rare in the general population with a frequency below the threshold expected for the associated phenotype(s). Given the available evidence, this variant is classified as Likely Pathogenic.

Labcorp Genetics (formerly Invitae), Labcorp
Classification: Likely pathogenic for Niemann-Pick disease, type C1. Last evaluated: 2023-05-25. Review status: criteria provided, single submitter. Criteria: Invitae Variant Classification Sherloc (09022015). Collection method: clinical testing. Allele origin: germline.
Comment: In summary, the currently available evidence indicates that the variant is pathogenic, but additional data are needed to prove that conclusively. Therefore, this variant has been classified as Likely Pathogenic. Algorithms developed to predict the effect of sequence changes on RNA splicing suggest that this variant may disrupt the consensus splice site. ClinVar contains an entry for this variant (Variation ID: 370542). This variant has not been reported in the literature in individuals affected with NPC1-related conditions. This variant is present in population databases (no rsID available, gnomAD 0.01%). This sequence change affects an acceptor splice site in intron 7 of the NPC1 gene. It is expected to disrupt RNA splicing. Variants that disrupt the donor or acceptor splice site typically lead to a loss of protein function (PMID: 16199547), and loss-of-function variants in NPC1 are known to be pathogenic (PMID: 9211850).

Counsyl
Classification: Likely pathogenic for Niemann-Pick disease, type C1. Last evaluated: 2016-02-25. Review status: no assertion criteria provided. Collection method: clinical testing. Allele origin: unknown. Not counted in ClinVar's aggregate classification.

Literature cited by the submitters: PubMed 16199547 (cited by Labcorp Genetics (formerly Invitae), Labcorp); PubMed 9211850 (cited by Labcorp Genetics (formerly Invitae), Labcorp).